The following is an entry in ClinVar:

NM_001287491.2(TET3):c.3448C>T (p.Arg1150Ter)

Gene: TET3 (tet methylcytosine dioxygenase 3; plus strand). Cytogenetic location: 2p13.1.
Variant type: single nucleotide variant.
Coding change: c.3448C>T on transcript NM_001287491.2 (MANE Select); coding-DNA position 3448, C replaced by T.
Protein change: p.Arg1150Ter; replaces arginine 1150 with a stop codon.
Molecular consequence: nonsense.
Genome position (GRCh38, 1-based): chr2:74,099,456, C>T. VCF-style: chr2-74099456-C-T. GRCh37 (hg19) VCF-style: chr2-74326583-C-T.
Other names: c.3169C>T, p.Arg1057Ter (NM_001366022.1); c.3043C>T, p.Arg1015Ter (NM_144993.1); short protein forms R1015*, R1057*, R1150*.
Identifiers: ClinVar variation 1800783 (VCV001800783.3), dbSNP rs2467686025, ClinGen allele CA347315159.

ClinVar aggregate classification (germline): Pathogenic. Review status: criteria provided, multiple submitters, no conflicts (2 of 4 stars). 3 submissions from 3 submitters: Pathogenic (3). Last evaluated 2024-07-05.

Conditions:
Beck-Fahrner syndrome (BEFAHRS). Identifiers: Orphanet 684216, MedGen C5394097, MONDO:0032922, OMIM 618798.

Submissions (3):

Women's Health and Genetics/Laboratory Corporation of America, LabCorp
Classification: Pathogenic for Beck-Fahrner syndrome. Last evaluated: 2024-07-05. Review status: criteria provided, single submitter. Criteria: LabCorp Variant Classification Summary - May 2015. Collection method: clinical testing. Allele origin: germline.
Comment: Variant summary: TET3 c.3448C>T (p.Arg1150X) results in a premature termination codon, predicted to cause absence of the protein due to nonsense mediated decay, which is a commonly known mechanism for disease. The variant was absent in 247346 control chromosomes (gnomAD). To our knowledge, no occurrence of c.3448C>T in individuals affected with Beck-Fahrner Syndrome and no experimental evidence demonstrating its impact on protein function have been reported. ClinVar contains an entry for this variant (Variation ID: 1800783). Based on the evidence outlined above, the variant was classified as pathogenic.

GeneDx
Classification: Pathogenic. Last evaluated: 2022-11-14. Review status: criteria provided, single submitter. Criteria: GeneDx Variant Classification Process June 2021. Collection method: clinical testing. Allele origin: germline. Affected: yes.
Comment: Nonsense variant predicted to result in protein truncation or nonsense mediated decay in a gene for which loss-of-function is a known mechanism of disease; Not observed at significant frequency in large population cohorts (gnomAD); Has not been previously published as pathogenic or benign to our knowledge

Victorian Clinical Genetics Services, Murdoch Childrens Research Institute
Classification: Pathogenic for Beck-Fahrner syndrome. Last evaluated: 2022-06-24. Review status: criteria provided, single submitter. Criteria: ACMG Guidelines, 2015. Collection method: clinical testing. Allele origin: germline. Affected: yes.
Comment: Based on the classification scheme VCGS_Germline_v1.3.4, this variant is classified as Pathogenic. Following criteria are met: 0102 - Loss of function is a known mechanism of disease in this gene and is associated with Beck-Fahrner syndrome (MIM#618798). While biallelic missense variants have been functionally proven to be hypomorphic, dominant negative could not be excluded as the mechanism for monoallelic variants (PMID: 31928709). (I) 0108 - This gene is associated with both recessive and dominant disease. There is currently no established genotype-phenotype correlation however, null variants have been reported in many autosomal dominant families and only one autosomal recessive family. It has also been noted that both monoallelic and biallelic probands are phenotypically similar (PMID: 31928709, 34719681). (I) 0112 - The condition associated with this gene has incomplete penetrance. Carrier parents in a biallelic family, one of whom had an NMD predicted variant, were reported to be clinically healthy (PMID: 34719681). (I) 0201 - Variant is predicted to cause nonsense-mediated decay (NMD) and loss of protein (premature termination codon is located at least 54 nucleotides upstream of the final exon-exon junction). (SP) 0251 - This variant is heterozygous. (I) 0301 - Variant is absent from gnomAD (both v2 and v3). (SP) 0702 - Other NMD-predicted variants comparable to the one identified in this case have strong previous evidence for pathogenicity (DECIPHER, PMIDs: 31928709, 34719681, 3475037). (SP) 0807 - This variant has no previous evidence of pathogenicity. (I) 0905 - No published segregation evidence has been identified for this variant. (I) 1007 - No published functional evidence has been identified for this variant. (I) 1207 - Parental origin of the variant is unresolved. (I) Legend: (SP) - Supporting pathogenic, (I) - Information, (SB) - Supporting benign

Literature cited by the submitters: PubMed 31928709 (cited by Victorian Clinical Genetics Services, Murdoch Childrens Research Institute); PubMed 34719681 (cited by Victorian Clinical Genetics Services, Murdoch Childrens Research Institute); PubMed 34750377 (cited by Victorian Clinical Genetics Services, Murdoch Childrens Research Institute).